The following is an entry in ClinVar:

NM_001018111.3(PODXL):c.269C>T (p.Pro90Leu)

Gene: PODXL (podocalyxin like; minus strand). Cytogenetic location: 7q32.3.
Variant type: single nucleotide variant.
Coding change: c.269C>T on transcript NM_001018111.3 (MANE Select); coding-DNA position 269, C replaced by T.
Protein change: p.Pro90Leu; replaces proline 90 with leucine.
Molecular consequence: missense variant.
Genome position (GRCh38, 1-based): chr7:131,511,265, G>A on the plus strand (C>T on the coding strand, the complement: PODXL is on the minus strand). VCF-style: chr7-131511265-G-A. GRCh37 (hg19) VCF-style: chr7-131196024-G-A.
Other names: c.269C>T, p.Pro90Leu (NM_005397.4); c.269C>T (NM_001018111.2); short protein forms P90L.
Identifiers: ClinVar variation 2711628 (VCV002711628.4), dbSNP rs574149313, ClinGen allele CA4488739.

ClinVar aggregate classification (germline): Uncertain significance. Review status: criteria provided, multiple submitters, no conflicts (2 of 4 stars). 2 submissions from 2 submitters: Uncertain significance (2). Last evaluated 2025-08-04.

Conditions:
Inborn genetic diseases. Identifiers: MedGen C0950123, MeSH D030342.

Allele frequency attached by ClinVar (database versions not stated): gnomAD exomes 0.00002; ExAC 0.00010; gnomAD 0.00013; TOPMed 0.00015; 1000 Genomes Project 30x 0.00016; 1000 Genomes Project 0.00020.
gnomAD v4.1: 53 of 1,614,030 alleles (0.0033%); highest among the groups gnomAD compares: Admixed American, 0.035%; no homozygotes.

Submissions (2):

Ambry Genetics
Classification: Uncertain significance for Inborn genetic diseases. Last evaluated: 2025-08-04. Review status: criteria provided, single submitter. Criteria: Ambry Variant Classification Scheme 2023. Collection method: clinical testing. Allele origin: germline.

Labcorp Genetics (formerly Invitae), Labcorp
Classification: Uncertain significance. Last evaluated: 2025-01-30. Review status: criteria provided, single submitter. Criteria: Invitae Variant Classification Sherloc (09022015). Collection method: clinical testing. Allele origin: germline.
Comment: This sequence change replaces proline, which is neutral and non-polar, with leucine, which is neutral and non-polar, at codon 90 of the PODXL protein (p.Pro90Leu). This variant is present in population databases (rs574149313, gnomAD 0.05%), and has an allele count higher than expected for a pathogenic variant. This variant has not been reported in the literature in individuals affected with PODXL-related conditions. ClinVar contains an entry for this variant (Variation ID: 2711628). An algorithm developed to predict the effect of missense changes on protein structure and function outputs the following: PolyPhen-2: "Benign". The leucine amino acid residue is found in multiple mammalian species, which suggests that this missense change does not adversely affect protein function. In summary, the available evidence is currently insufficient to determine the role of this variant in disease. Therefore, it has been classified as a Variant of Uncertain Significance.